The following is an entry in ClinVar:

ClinVar aggregate classification (germline): Conflicting classifications of pathogenicity. Review status: criteria provided, conflicting classifications (1 of 4 stars). 3 submissions from 3 submitters: Uncertain significance (2); Likely benign (1). Last evaluated 2025-10-31.

Conditions:
Cryopyrin associated periodic syndrome (CAPS). Identifiers: Orphanet 208650, MedGen C2316212, MONDO:0016168.

Submissions (3):

GeneDx
Classification: Uncertain significance. Last evaluated: 2025-10-31. Review status: criteria provided, single submitter. Criteria: GeneDx Variant Classification Process June 2021. Collection method: clinical testing. Allele origin: germline.
Comment: In silico analysis suggests that this missense variant does not alter protein structure/function; Has not been previously published as pathogenic or benign to our knowledge; This variant is associated with the following publications: (PMID: 19302049)

CeGaT Center for Human Genetics Tuebingen
Classification: Likely benign. Last evaluated: 2025-05-01. Review status: criteria provided, single submitter. Criteria: CeGaT Center For Human Genetics Tuebingen Variant Classification Criteria Version 2. Collection method: clinical testing. Allele origin: germline. Affected: yes. Observed: 1 variant allele.
Comment: NLRP3: BP4

Labcorp Genetics (formerly Invitae), Labcorp
Classification: Uncertain significance for Cryopyrin associated periodic syndrome. Last evaluated: 2025-04-22. Review status: criteria provided, single submitter. Criteria: Invitae Variant Classification Sherloc (09022015). Collection method: clinical testing. Allele origin: germline.
Comment: This sequence change replaces histidine, which is basic and polar, with glutamine, which is neutral and polar, at codon 460 of the NLRP3 protein (p.His460Gln). This variant is present in population databases (no rsID available, gnomAD no frequency). This variant has not been reported in the literature in individuals affected with NLRP3-related conditions. ClinVar contains an entry for this variant (Variation ID: 3021489). Invitae Evidence Modeling of protein sequence and biophysical properties (such as structural, functional, and spatial information, amino acid conservation, physicochemical variation, residue mobility, and thermodynamic stability) indicates that this missense variant is not expected to disrupt NLRP3 protein function with a negative predictive value of 95%. In summary, the available evidence is currently insufficient to determine the role of this variant in disease. Therefore, it has been classified as a Variant of Uncertain Significance.

NM_001243133.2(NLRP3):c.1374C>G (p.His458Gln)

Gene: NLRP3 (NLR family pyrin domain containing 3; plus strand). Cytogenetic location: 1q44.
Variant type: single nucleotide variant.
Coding change: c.1374C>G on transcript NM_001243133.2 (MANE Select); coding-DNA position 1374, C replaced by G.
Protein change: p.His458Gln; replaces histidine 458 with glutamine.
Molecular consequence: missense variant.
Genome position (GRCh38, 1-based): chr1:247,424,823, C>G. VCF-style: chr1-247424823-C-G. GRCh37 (hg19) VCF-style: chr1-247588125-C-G.
Other names: c.1380C>G, p.His460Gln (NM_004895.5); c.1374C>G, p.His458Gln (NM_183395.3, NM_001079821.3, NM_001127461.3 and 1 more transcripts); short protein forms H460Q, H458Q.
Identifiers: ClinVar variation 3021489 (VCV003021489.15), dbSNP rs180177481, ClinGen allele CA345556747.